The following is an entry in ClinVar:

NM_001330360.2(POLA1):c.361G>C (p.Ala121Pro)

Gene: POLA1 (DNA polymerase alpha 1, catalytic subunit; plus strand). Cytogenetic location: Xp22.11.
Variant type: single nucleotide variant.
Coding change: c.361G>C on transcript NM_001330360.2 (MANE Select); coding-DNA position 361, G replaced by C.
Protein change: p.Ala121Pro; replaces alanine 121 with proline.
Molecular consequence: missense variant. On other transcripts: non-coding transcript variant (2).
Genome position (GRCh38, 1-based): chrX:24,714,568, G>C. VCF-style: chrX-24714568-G-C. GRCh37 (hg19) VCF-style: chrX-24732685-G-C.
Other names: c.361G>C, p.Ala121Pro (NM_001378303.1, NM_001440806.1); c.343G>C, p.Ala115Pro (NM_016937.4); short protein forms A121P, A115P.
Identifiers: ClinVar variation 4744220 (VCV004744220.1).

ClinVar aggregate classification (germline): Uncertain significance (1 of 4 stars; one submission).

gnomAD v4.1: 1 of 1,179,317 alleles (0.000085%); highest among the groups gnomAD compares: Non-Finnish European, 0.00011%; no homozygotes.

Submission:

Labcorp Genetics (formerly Invitae), Labcorp
Classification: Uncertain significance. Last evaluated: 2025-02-28. Review status: criteria provided, single submitter. Criteria: Invitae Variant Classification Sherloc (09022015). Collection method: clinical testing. Allele origin: germline.
Comment: This sequence change replaces alanine, which is neutral and non-polar, with proline, which is neutral and non-polar, at codon 115 of the POLA1 protein (p.Ala115Pro). This variant is not present in population databases (gnomAD no frequency). This variant has not been reported in the literature in individuals affected with POLA1-related conditions. Invitae Evidence Modeling of protein sequence and biophysical properties (such as structural, functional, and spatial information, amino acid conservation, physicochemical variation, residue mobility, and thermodynamic stability) indicates that this missense variant is not expected to disrupt POLA1 protein function with a negative predictive value of 80%. In summary, the available evidence is currently insufficient to determine the role of this variant in disease. Therefore, it has been classified as a Variant of Uncertain Significance.